The following is an entry in ClinVar:

NM_003672.4(CDC14A):c.1755+110C>G

Gene: CDC14A (cell division cycle 14A; plus strand). Cytogenetic location: 1p21.2.
Variant type: single nucleotide variant.
Coding change: c.1755+110C>G on transcript NM_003672.4 (MANE Select); 110 bases into the intron after coding-DNA position 1755, C replaced by G.
Molecular consequence: intron variant. On other transcripts: missense variant (3).
Genome position (GRCh38, 1-based): chr1:100,499,372, C>G. VCF-style: chr1-100499372-C-G. GRCh37 (hg19) VCF-style: chr1-100964928-C-G.
Other names: c.1691C>G, p.Ala564Gly (NM_001319211.2); c.986C>G, p.Ala329Gly (NM_001319212.2); c.1865C>G, p.Ala622Gly (NM_033312.3); c.1755+110C>G (NM_001319210.2); short protein forms A564G, A329G, A622G.
Identifiers: ClinVar variation 667038 (VCV000667038.13), dbSNP rs188557928, ClinGen allele CA970992.

ClinVar aggregate classification (germline): Benign/Likely benign. Review status: criteria provided, multiple submitters, no conflicts (2 of 4 stars). 5 submissions from 5 submitters: Benign (3); Likely benign (1). 1 of the submissions does not count toward it. Last evaluated 2025-09-15.

Conditions:
CDC14A-related disorder. Also called: CDC14A-related condition.

Allele frequency attached by ClinVar (database versions not stated): gnomAD 0.00016 and 0.00025; TOPMed 0.00060; 1000 Genomes Project 30x 0.00125; 1000 Genomes Project 0.00160.
gnomAD v4.1: 373 of 1,609,034 alleles (0.023%); highest among the groups gnomAD compares: East Asian, 0.78%; 3 homozygotes.

Submissions (5):

Labcorp Genetics (formerly Invitae), Labcorp
Classification: Benign. Last evaluated: 2025-09-15. Review status: criteria provided, single submitter. Criteria: Invitae Variant Classification Sherloc (09022015). Collection method: clinical testing. Allele origin: germline.

Mayo Clinic Laboratories, Mayo Clinic
Classification: Benign. Last evaluated: 2025-03-17. Review status: criteria provided, single submitter. Criteria: ACMG Guidelines, 2015. Collection method: clinical testing. Allele origin: germline. Observed: 1 variant allele.
Comment: BA1, BP4

Blueprint Genetics
Classification: Likely benign. Last evaluated: 2024-10-10. Review status: criteria provided, single submitter. Criteria: ACMG Guidelines, 2015. Collection method: clinical testing. Allele origin: germline.

Laboratory for Molecular Medicine, Mass General Brigham Personalized Medicine
Classification: Benign. Last evaluated: 2017-08-23. Review status: criteria provided, single submitter. Criteria: LMM Criteria. Collection method: clinical testing. Allele origin: germline. Observed: 1 variant allele.
Comment: p.Ala622Gly in exon 15 of CDC14A: This variant is not expected to have clinical significance because it has been identified in 0.97% (83/8582) of East Asian chr omosomes by the Exome Aggregation Consortium (ExAC, rg; dbSNP rs188557928).

PreventionGenetics, part of Exact Sciences
Classification: Benign for CDC14A-related condition. Last evaluated: 2019-10-07. Review status: no assertion criteria provided. Collection method: clinical testing. Allele origin: germline. Not counted in ClinVar's aggregate classification.
Comment: This variant is classified as benign based on ACMG/AMP sequence variant interpretation guidelines (Richards et al. 2015 PMID: 25741868, with internal and published modifications).